The following is an entry in ClinVar:

ClinVar aggregate classification (germline): Uncertain significance (0 of 4 stars; one submission).

Submission:

Department of Pathology and Laboratory Medicine, Sinai Health System
Classification: Uncertain significance. Review status: no assertion criteria provided. Collection method: clinical testing. Allele origin: unknown. Affected: yes. Study: The Canadian Open Genetics Repository (COGR).
Comment: The SPTAN1 p.Glu447Glu variant was not identified in the literature nor was it identified in dbSNP, ClinVar, Cosmic, LOVD 3.0 or in the following control databases: the 1000 Genomes Project, the NHLBI GO Exome Sequencing Project, the Exome Aggregation Consortium (August 8th 2016), or the Genome Aggregation Database (Feb 27, 2017). The p.Glu447Glu variant is not expected to have clinical significance because it does not result in a change of amino acid and is not located in a known consensus splice site. The variant occurs outside of the splicing consensus sequence and 3 of 4 in silico or computational prediction software programs (SpliceSiteFinder, MaxEntScan, GeneSplicer) predict a greater than 10% difference in splicing; this is not very predictive of pathogenicity. In summary, based on the above information the clinical significance of this variant cannot be determined with certainty at this time. This variant is classified as a variant of uncertain significance.

NM_001130438.3(SPTAN1):c.1341G>A (p.Glu447=)

Gene: SPTAN1 (spectrin alpha, non-erythrocytic 1; plus strand). Cytogenetic location: 9q34.11.
Variant type: single nucleotide variant.
Coding change: c.1341G>A on transcript NM_001130438.3 (MANE Select); coding-DNA position 1341, G replaced by A.
Protein change: p.Glu447=; no amino-acid change (glutamic acid 447 retained).
Molecular consequence: synonymous variant.
Genome position (GRCh38, 1-based): chr9:128,580,939, G>A. VCF-style: chr9-128580939-G-A. GRCh37 (hg19) VCF-style: chr9-131343218-G-A.
Other names: c.1341G>A, p.Glu447= (NM_001195532.2, NM_001363759.2, NM_001363765.2 and 5 more transcripts); c.1377G>A, p.Glu459= (NM_001375312.2, NM_001375318.1).
Identifiers: ClinVar variation 1049340 (VCV001049340.1), dbSNP rs2131088001, ClinGen allele CA467296634.